The following is an entry in ClinVar:

ClinVar aggregate classification (germline): Uncertain significance (1 of 4 stars; one submission).

Conditions:
Genitopatellar syndrome (GTPTS). Also called: Genitopatellar syndrome (GPS); ABSENT PATELLAE, SCROTAL HYPOPLASIA, RENAL ANOMALIES, FACIAL DYSMORPHISM, AND MENTAL RETARDATION. Identifiers: Orphanet 85201, MedGen C1853566, MONDO:0011640, OMIM 606170.

Allele frequency attached by ClinVar (database versions not stated): gnomAD exomes below 0.00001.
gnomAD v4.1: 3 of 1,614,032 alleles (0.00019%); highest among the groups gnomAD compares: Non-Finnish European, 0.00025%; no homozygotes.

Submission:

Labcorp Genetics (formerly Invitae), Labcorp
Classification: Uncertain significance for Genitopatellar syndrome. Last evaluated: 2024-01-16. Review status: criteria provided, single submitter. Criteria: Invitae Variant Classification Sherloc (09022015). Collection method: clinical testing. Allele origin: germline.
Comment: This sequence change replaces glycine, which is neutral and non-polar, with glutamic acid, which is acidic and polar, at codon 1208 of the KAT6B protein (p.Gly1208Glu). This variant is not present in population databases (gnomAD no frequency). This variant has not been reported in the literature in individuals affected with KAT6B-related conditions. Algorithms developed to predict the effect of missense changes on protein structure and function output the following: SIFT: "Not Available"; PolyPhen-2: "Benign"; Align-GVGD: "Not Available". The glutamic acid amino acid residue is found in multiple mammalian species, which suggests that this missense change does not adversely affect protein function. In summary, the available evidence is currently insufficient to determine the role of this variant in disease. Therefore, it has been classified as a Variant of Uncertain Significance.

NM_012330.4(KAT6B):c.3623G>A (p.Gly1208Glu)

Gene: KAT6B (lysine acetyltransferase 6B; plus strand). Cytogenetic location: 10q22.2.
Variant type: single nucleotide variant.
Coding change: c.3623G>A on transcript NM_012330.4 (MANE Select); coding-DNA position 3623, G replaced by A.
Protein change: p.Gly1208Glu; replaces glycine 1208 with glutamic acid.
Molecular consequence: missense variant.
Genome position (GRCh38, 1-based): chr10:75,025,208, G>A. VCF-style: chr10-75025208-G-A. GRCh37 (hg19) VCF-style: chr10-76784966-G-A.
Other names: c.3074G>A, p.Gly1025Glu (NM_001256468.2, NM_001370138.1); c.2747G>A, p.Gly916Glu (NM_001256469.2, NM_001370139.1, NM_001370140.1 and 2 more transcripts); c.2585G>A, p.Gly862Glu (NM_001370132.1); c.1934G>A, p.Gly645Glu (NM_001370133.1); c.1538G>A, p.Gly513Glu (NM_001370134.1); c.1280G>A, p.Gly427Glu (NM_001370135.1); c.3623G>A, p.Gly1208Glu (NM_001370136.1, NM_001370137.1); c.2558G>A, p.Gly853Glu (NM_001370143.1, NM_001370144.1); short protein forms G1025E, G427E, G853E, G916E, G513E, G862E, G1208E, G645E.
Identifiers: ClinVar variation 2778646 (VCV002778646.3), dbSNP rs2549184362, ClinGen allele CA377288828.